The following is an entry in ClinVar:

ClinVar aggregate classification (germline): Uncertain significance. Review status: criteria provided, single submitter (1 of 4 stars). 2 submissions from 2 submitters: Uncertain significance (1). 1 of the submissions does not count toward it. Last evaluated 2024-03-12.

Conditions:
Myopathy, lactic acidosis, and sideroblastic anemia. Also called: Mitochondrial myopathy and sideroblastic anemia; Myopathy with lactic acidosis and sideroblastic anemia. Identifiers: Orphanet 2598, MedGen C1838103, MONDO:0000863.

Submissions (2):

GeneDx
Classification: Uncertain significance. Last evaluated: 2024-03-12. Review status: criteria provided, single submitter. Criteria: GeneDx Variant Classification Process June 2021. Collection method: clinical testing. Allele origin: germline. Affected: yes.
Comment: Not observed at significant frequency in large population cohorts (gnomAD); In silico analysis supports that this missense variant does not alter protein structure/function; Has not been previously published as pathogenic or benign to our knowledge

Natera, Inc.
Classification: Uncertain significance for Mitochondrial myopathy and sideroblastic anemia. Last evaluated: 2025-04-10. Review status: no assertion criteria provided. Collection method: clinical testing. Allele origin: germline. Not counted in ClinVar's aggregate classification.

NM_025215.6(PUS1):c.270G>A (p.Met90Ile)

Gene: PUS1 (pseudouridine synthase 1; plus strand). Cytogenetic location: 12q24.33.
Variant type: single nucleotide variant.
Coding change: c.270G>A on transcript NM_025215.6 (MANE Select); coding-DNA position 270, G replaced by A.
Protein change: p.Met90Ile; replaces methionine 90 with isoleucine.
Molecular consequence: missense variant.
Genome position (GRCh38, 1-based): chr12:131,930,102, G>A. VCF-style: chr12-131930102-G-A. GRCh37 (hg19) VCF-style: chr12-132414647-G-A.
Other names: c.186G>A, p.Met62Ile (NM_001002019.3, NM_001002020.3); short protein forms M62I, M90I.
Identifiers: ClinVar variation 3370727 (VCV003370727.2).